The following is an entry in ClinVar:

ClinVar aggregate classification (germline): Likely benign. Review status: criteria provided, multiple submitters, no conflicts (2 of 4 stars). 3 submissions from 3 submitters: Likely benign (3). Last evaluated 2025-05-17.

Conditions:
Developmental and epileptic encephalopathy, 11 (DEE11). Also called: Early infantile epileptic encephalopathy 11. Identifiers: Orphanet 1934, MedGen C3150987, MONDO:0013388, OMIM 613721.
Seizures, benign familial infantile, 3 (BFIS3). Also called: CONVULSIONS, BENIGN FAMILIAL INFANTILE, 3; Familial neonatal seizures. Identifiers: Orphanet 140927, Orphanet 306, MedGen C1843140, MONDO:0011904, OMIM 607745.

Allele frequency attached by ClinVar (database versions not stated): gnomAD exomes below 0.00001; gnomAD 0.00003 and 0.00004; TOPMed 0.00009.
gnomAD v4.1: 31 of 1,606,808 alleles (0.0019%); highest among the groups gnomAD compares: Admixed American, 0.013%; no homozygotes.

Submissions (3):

Labcorp Genetics (formerly Invitae), Labcorp
Classification: Likely benign for Seizures, benign familial infantile, 3; Developmental and epileptic encephalopathy, 11. Last evaluated: 2025-05-17. Review status: criteria provided, single submitter. Criteria: Invitae Variant Classification Sherloc (09022015). Collection method: clinical testing. Allele origin: germline.

Blueprint Genetics
Classification: Likely benign. Last evaluated: 2022-01-18. Review status: criteria provided, single submitter. Criteria: ACMG Guidelines, 2015. Collection method: clinical testing. Allele origin: germline.

GeneDx
Classification: Likely benign. Last evaluated: 2016-05-31. Review status: criteria provided, single submitter. Criteria: GeneDx Variant Classification (06012015). Collection method: clinical testing. Allele origin: germline. Affected: yes.
Comment: This variant is considered likely benign or benign based on one or more of the following criteria: it is a conservative change, it occurs at a poorly conserved position in the protein, it is predicted to be benign by multiple in silico algorithms, and/or has population frequency not consistent with disease.

NM_001040142.2(SCN2A):c.3676-20T>C

Gene: SCN2A (sodium voltage-gated channel alpha subunit 2; plus strand). Cytogenetic location: 2q24.3.
Variant type: single nucleotide variant.
Coding change: c.3676-20T>C on transcript NM_001040142.2 (MANE Select); 20 bases into the intron before coding-DNA position 3676, T replaced by C.
Molecular consequence: intron variant.
Genome position (GRCh38, 1-based): chr2:165,370,106, T>C. VCF-style: chr2-165370106-T-C. GRCh37 (hg19) VCF-style: chr2-166226616-T-C.
Other names: c.3676-20T>C (NM_001040143.2, NM_001371246.1, NM_001371247.1 and 1 more transcripts).
Identifiers: ClinVar variation 386562 (VCV000386562.10), dbSNP rs1057522535, ClinGen allele CA16603918.